The following is an entry in ClinVar:

NM_001267550.2(TTN):c.52619_52620del (p.Tyr17540fs)

Genes: TTN (titin; minus strand), TTN-AS1 (TTN antisense RNA 1; plus strand), LOC126806425 (BRD4-independent group 4 enhancer GRCh37_chr2:179471933-179473132; plus strand). Cytogenetic location: 2q31.2.
Variant type: Deletion.
Coding change: c.52619_52620del on transcript NM_001267550.2 (MANE Select); coding-DNA positions 52619 to 52620, 2 bases deleted (AT; older notation c.52619_52620delAT).
Protein change: p.Tyr17540fs; shifts the reading frame from tyrosine 17540.
Molecular consequence: frameshift variant. On other transcripts: non-coding transcript variant (1).
Genome position (GRCh38, 1-based): chr2:178,608,263-178,608,264, AT deleted on the plus strand (AT on the coding strand, the reverse complement: TTN is on the minus strand); deleting any 2 consecutive bases within chr2:178,608,263-178,608,265 gives the same sequence; the c. name uses the placement nearest the transcript's 3' end. VCF-style (leftmost placement, unchanged base first): chr2-178608262-CAT-C. GRCh37 (hg19) VCF-style: chr2-179472989-CAT-C.
Other names: c.47696_47697del, p.Tyr15899fs (NM_001256850.1); c.25424_25425del, p.Tyr8475fs (NM_003319.4); c.44915_44916del, p.Tyr14972fs (NM_133378.4); c.25799_25800del, p.Tyr8600fs (NM_133432.3); c.26000_26001del, p.Tyr8667fs (NM_133437.4); short protein forms Y14972fs, Y8667fs, Y15899fs, Y8600fs, Y17540fs, Y8475fs.
Identifiers: ClinVar variation 2004189 (VCV002004189.4), dbSNP rs2470328344, ClinGen allele CA2580064666.

ClinVar aggregate classification (germline): Likely pathogenic (1 of 4 stars; one submission).

Conditions:
Dilated cardiomyopathy 1G (CMD1G). Identifiers: Orphanet 154, MedGen C1858763, MONDO:0011400, OMIM 604145.
Autosomal recessive limb-girdle muscular dystrophy type 2J (LGMDR10). Also called: MUSCULAR DYSTROPHY, LIMB-GIRDLE, AUTOSOMAL RECESSIVE 10; Limb-girdle muscular dystrophy, type 2J. Identifiers: Orphanet 140922, MedGen C1837342, MONDO:0012127, OMIM 608807.

Submission:

Labcorp Genetics (formerly Invitae), Labcorp
Classification: Likely pathogenic for Dilated cardiomyopathy 1G; Autosomal recessive limb-girdle muscular dystrophy type 2J. Last evaluated: 2022-09-28. Review status: criteria provided, single submitter. Criteria: Invitae Variant Classification Sherloc (09022015). Collection method: clinical testing. Allele origin: germline.
Comment: In summary, the currently available evidence indicates that the variant is pathogenic, but additional data are needed to prove that conclusively. Therefore, this variant has been classified as Likely Pathogenic. This variant is located in the A band of TTN (PMID: 25589632). Truncating variants in this region are significantly overrepresented in patients affected with dilated cardiomyopathy (PMID: 25589632). Truncating variants in this region have also been reported in individuals affected with autosomal recessive centronuclear myopathy (PMID: 23975875). This variant has not been reported in the literature in individuals affected with TTN-related conditions. This variant is not present in population databases (gnomAD no frequency). This sequence change creates a premature translational stop signal (p.Tyr17540Cysfs*7) in the TTN gene. While this is not anticipated to result in nonsense mediated decay, it is expected to create a truncated TTN protein.

Literature cited by the submitters: PubMed 25589632; PubMed 23975875.